The following is an entry in ClinVar:

ClinVar aggregate classification (germline): Benign/Likely benign. Review status: criteria provided, multiple submitters, no conflicts (2 of 4 stars). 4 submissions from 4 submitters: Benign (1); Likely benign (3). Last evaluated 2026-01-26.

Conditions:
Desmin-related myofibrillar myopathy (MFM1). Also called: MYOFIBRILLAR MYOPATHY WITH ARRHYTHMOGENIC RIGHT VENTRICULAR CARDIOMYOPATHY; DESMIN-RELATED MYOPATHY WITH ARRHYTHMOGENIC RIGHT VENTRICULAR CARDIOMYOPATHY; Myofibrillar myopathy 1; Desminopathy; Desmin related myopathy (former name); Desmin storage myopathy (former name). Identifiers: Orphanet 363543, Orphanet 98909, MedGen C1832370, MONDO:0011076, OMIM 601419.

Allele frequency attached by ClinVar (database versions not stated): ExAC 0.00002; gnomAD 0.00008 and 0.00009; gnomAD exomes 0.00008 and 0.00013; TOPMed 0.00011.
gnomAD v4.1: 218 of 1,613,912 alleles (0.014%); highest among the groups gnomAD compares: Middle Eastern, 0.033%; no homozygotes.

Submissions (4):

Labcorp Genetics (formerly Invitae), Labcorp
Classification: Likely benign for Desmin-related myofibrillar myopathy. Last evaluated: 2026-01-26. Review status: criteria provided, single submitter. Criteria: Invitae Variant Classification Sherloc (09022015). Collection method: clinical testing. Allele origin: germline.

Blueprint Genetics
Classification: Likely benign. Last evaluated: 2024-11-05. Review status: criteria provided, single submitter. Criteria: ACMG Guidelines, 2015. Collection method: clinical testing. Allele origin: germline.

Women's Health and Genetics/Laboratory Corporation of America, LabCorp
Classification: Benign. Last evaluated: 2023-08-28. Review status: criteria provided, single submitter. Criteria: LabCorp Variant Classification Summary - May 2015. Collection method: clinical testing. Allele origin: germline.
Comment: Variant summary: DES c.736-19G>A alters a non-conserved nucleotide located at a position not widely known to affect splicing. Consensus agreement among computation tools predict no significant impact on normal splicing. However, these predictions have yet to be confirmed by functional studies. The variant allele was found at a frequency of 7.6e-05 in 249852 control chromosomes (gnomAD). The observed variant frequency is approximately 2.4 fold of the estimated maximal expected allele frequency for a pathogenic variant in DES causing Dilated Cardiomyopathy phenotype (3.1e-05), strongly suggesting that the variant is benign. To our knowledge, no occurrence of c.736-19G>A in individuals affected with Dilated Cardiomyopathy and no experimental evidence demonstrating its impact on protein function have been reported. Two submitters have cited clinical-significance assessments for this variant to ClinVar after 2014. All submitters classified the variant as likely benign. Based on the evidence outlined above, the variant was classified as benign.

GeneDx
Classification: Likely benign. Last evaluated: 2017-10-02. Review status: criteria provided, single submitter. Criteria: GeneDx Variant Classification (06012015). Collection method: clinical testing. Allele origin: germline. Affected: yes.
Comment: This variant is considered likely benign or benign based on one or more of the following criteria: it is a conservative change, it occurs at a poorly conserved position in the protein, it is predicted to be benign by multiple in silico algorithms, and/or has population frequency not consistent with disease.

NM_001927.4(DES):c.736-19G>A

Gene: DES (desmin; plus strand). Cytogenetic location: 2q35.
Variant type: single nucleotide variant.
Coding change: c.736-19G>A on transcript NM_001927.4 (MANE Select); 19 bases into the intron before coding-DNA position 736, G replaced by A.
Molecular consequence: intron variant.
Genome position (GRCh38, 1-based): chr2:219,420,476, G>A. VCF-style: chr2-219420476-G-A. GRCh37 (hg19) VCF-style: chr2-220285198-G-A.
Other names: c.736-19G>A (LRG_380t1).
Identifiers: ClinVar variation 377768 (VCV000377768.11), dbSNP rs745667526, ClinGen allele CA2125150.
Genomic context (GRCh38, chr2:219,420,476, plus strand): 5'-GAGGCTCTGGCTGGGAATAGGGGTGTGAGGGTGCTGTGTGGGCCCTGAGAGGGGACTGAA[G>A]CCCAGTCATGCCCTACAGGAGATCCGTGAGTTGCAGGCTCAGCTTCAGGAACAGCAGGTC-3'